The following is an entry in ClinVar:

ClinVar aggregate classification (germline): Uncertain significance (3 of 4 stars; one submission).

Conditions:
Monogenic diabetes. Identifiers: Orphanet 183625, MedGen C3888631, MONDO:0015967.

Submission:

ClinGen Monogenic Diabetes Variant Curation Expert Panel
Classification: Uncertain significance for Monogenic diabetes. Last evaluated: 2024-10-13. Review status: reviewed by expert panel. Criteria: ClinGen Diabetes ACMG Specifications HNF1A V2.1.0. Collection method: curation. Allele origin: germline. Inheritance: Autosomal dominant inheritance.
Comment: The c.806C>A variant in the HNF1 homeobox A gene, HNF1A, causes an amino acid change of alanine to aspartic acid at codon 269 (p.(Ala269Asp)) of NM_000545.8. This variant is located within a conserved region of the DNA binding domain (codons 107-174 and 201-280) of HNF1A, which is defined as critical for the protein’s function by the ClinGen MDEP (PM1_Supporting). Additonally, this variant is predicted to be deleterious by computational evidence, with a REVEL score of 0.963, which is greater than the MDEP VCEP threshold of 0.70 (PP3). This variant is absent from gnomAD from gnomAD v2.1.1 (PM2_Supporting). This variant was identified in one individual with a clinical history highly specific for HNF1A-monogenic diabetes (MPC >50%, negative testing for HNF4A, and negative antibodies) (PP4_Moderate; internal lab contributors). Given that it was only identified in one case, this is below the MDEP VCEP threshold to apply PS4_Moderate. Another missense variant, c.805G>C, p.(Ala269Pro), has been classified as a VUS by the ClinGen MDEP; therefore, PM5 will not be applied. In summary, c.806C>A meets the criteria to be classified as a variant of uncertain significance for monogenic diabetes. ACMG/AMP criteria applied, as specified by the ClinGen MDEP VCEP (specification version 2.1.1, approved 8/11/2023): PM1_Supporting, PP3, PM2_Supporting, PP4_Moderate.

NM_000545.8(HNF1A):c.806C>A (p.Ala269Asp)

Gene: HNF1A (HNF1 homeobox A; plus strand). Cytogenetic location: 12q24.31.
Variant type: single nucleotide variant.
Coding change: c.806C>A on transcript NM_000545.8 (MANE Select); coding-DNA position 806, C replaced by A.
Protein change: p.Ala269Asp; replaces alanine 269 with aspartic acid.
Molecular consequence: missense variant.
Genome position (GRCh38, 1-based): chr12:120,994,256, C>A. VCF-style: chr12-120994256-C-A. GRCh37 (hg19) VCF-style: chr12-121432059-C-A.
Other names: NM_001306179.2:c.806C>A; c.806C>A, p.Ala269Asp (NM_001306179.2, NM_001406915.1); short protein forms A269D.
Identifiers: ClinVar variation 3370453 (VCV003370453.1).
Genomic context (GRCh38, chr12:120,994,256, plus strand): 5'-CACAGGCACAGGGGCTGGGCTCCAACCTCGTCACGGAGGTGCGTGTCTACAACTGGTTTG[C>A]CAACCGGCGCAAAGAAGAAGCCTTCCGGCACAAGCTGGCCATGGACACGTACAGCGGGCC-3'
Protein context (NP_000536.6, residues 259-279): VTEVRVYNWF[Ala269Asp]NRRKEEAFRH